The following is an entry in ClinVar:

NM_017780.4(CHD7):c.5503G>A (p.Gly1835Arg)

Gene: CHD7 (chromodomain helicase DNA binding protein 7; plus strand). Cytogenetic location: 8q12.2.
Variant type: single nucleotide variant.
Coding change: c.5503G>A on transcript NM_017780.4 (MANE Select); coding-DNA position 5503, G replaced by A.
Protein change: p.Gly1835Arg; replaces glycine 1835 with arginine.
Molecular consequence: missense variant. On other transcripts: intron variant (1).
Genome position (GRCh38, 1-based): chr8:60,850,591, G>A. VCF-style: chr8-60850591-G-A. GRCh37 (hg19) VCF-style: chr8-61763150-G-A.
Other names: c.1717-11638G>A (NM_001316690.1); short protein forms G1835R.
Identifiers: ClinVar variation 3696071 (VCV003696071.10).

ClinVar aggregate classification (germline): Uncertain significance. Review status: criteria provided, multiple submitters, no conflicts (2 of 4 stars). 2 submissions from 2 submitters: Uncertain significance (2). Last evaluated 2025-06-01.

Conditions:
CHARGE syndrome (CHARGE). Also called: Hittner Hirsch Kreh syndrome; CHARGE ASSOCIATION--COLOBOMA, HEART ANOMALY, CHOANAL ATRESIA, RETARDATION, GENITAL AND EAR ANOMALIES; Coloboma, heart anomaly, choanal atresia, retardation, genital and ear anomalies; CHARGE association; Hall-Hittner syndrome. Identifiers: Orphanet 138, MedGen C0265354, MONDO:0008965.

Submissions (2):

CeGaT Center for Human Genetics Tuebingen
Classification: Uncertain significance. Last evaluated: 2025-06-01. Review status: criteria provided, single submitter. Criteria: CeGaT Center For Human Genetics Tuebingen Variant Classification Criteria Version 2. Collection method: clinical testing. Allele origin: germline. Affected: yes. Observed: 1 variant allele.
Comment: CHD7: PM2, PP3

Labcorp Genetics (formerly Invitae), Labcorp
Classification: Uncertain significance for CHARGE syndrome. Last evaluated: 2024-09-27. Review status: criteria provided, single submitter. Criteria: Invitae Variant Classification Sherloc (09022015). Collection method: clinical testing. Allele origin: germline.
Comment: This sequence change replaces glycine, which is neutral and non-polar, with arginine, which is basic and polar, at codon 1835 of the CHD7 protein (p.Gly1835Arg). This variant is not present in population databases (gnomAD no frequency). This variant has not been reported in the literature in individuals affected with CHD7-related conditions. Invitae Evidence Modeling of protein sequence and biophysical properties (such as structural, functional, and spatial information, amino acid conservation, physicochemical variation, residue mobility, and thermodynamic stability) has been performed for this missense variant. However, the output from this modeling did not meet the statistical confidence thresholds required to predict the impact of this variant on CHD7 protein function. In summary, the available evidence is currently insufficient to determine the role of this variant in disease. Therefore, it has been classified as a Variant of Uncertain Significance.